The following is an entry in ClinVar:

NM_017950.4(CCDC40):c.2832+304A>G

Gene: CCDC40 (coiled-coil domain 40 molecular ruler complex subunit; plus strand). Cytogenetic location: 17q25.3.
Variant type: single nucleotide variant.
Coding change: c.2832+304A>G on transcript NM_017950.4 (MANE Select); 304 bases into the intron after coding-DNA position 2832, A replaced by G.
Molecular consequence: intron variant. On other transcripts: missense variant (1).
Genome position (GRCh38, 1-based): chr17:80,090,188, A>G. VCF-style: chr17-80090188-A-G. GRCh37 (hg19) VCF-style: chr17-78063987-A-G.
Other names: c.2882A>G, p.His961Arg (NM_001243342.2); short protein forms H961R.
Identifiers: ClinVar variation 2648393 (VCV002648393.24), dbSNP rs866179546, ClinGen allele CA8814382.

ClinVar aggregate classification (germline): Likely benign (1 of 4 stars; one submission).

Allele frequency attached by ClinVar (database versions not stated): gnomAD 0.00009; TOPMed 0.00010; gnomAD exomes 0.00028; ExAC 0.00065.
gnomAD v4.1: 280 of 1,048,910 alleles (0.027%); highest among the groups gnomAD compares: South Asian, 0.11%; 21 homozygotes.

Submission:

CeGaT Center for Human Genetics Tuebingen
Classification: Likely benign. Last evaluated: 2023-02-01. Review status: criteria provided, single submitter. Criteria: CeGaT Center For Human Genetics Tuebingen Variant Classification Criteria Version 2. Collection method: clinical testing. Allele origin: germline. Affected: yes. Observed: 2 variant alleles.
Comment: CCDC40: BP4, BS2